The following is an entry in ClinVar:

ClinVar aggregate classification (germline): Uncertain significance. Review status: criteria provided, multiple submitters, no conflicts (2 of 4 stars). 6 submissions from 6 submitters: Uncertain significance (6). Last evaluated 2026-02-10.

Conditions:
Nephronophthisis. Also called: Juvenile Nephronophthisis. Identifiers: Orphanet 655, MedGen C0687120, MONDO:0019005, HP:0000090.
NPHP3-related Meckel-like syndrome. Also called: GOLDSTON SYNDROME; Meckel syndrome type 7. Identifiers: Orphanet 3032, MedGen C2673885, MONDO:0009966, OMIM 267010.
Renal-hepatic-pancreatic dysplasia 1 (RHPD1). Identifiers: MedGen C3715199, MONDO:0008833, OMIM 208540.
Nephronophthisis 3 (NPHP3). Also called: Adolescent nephronophthisis. Identifiers: Orphanet 655, MedGen C1858392, MONDO:0011456, OMIM 604387.
NPHP3-related disorder. Also called: NPHP3-related disorders; NPHP3-related condition. Identifiers: MedGen CN379163.

Allele frequency attached by ClinVar (database versions not stated): gnomAD 0.00005 and 0.00006; ExAC 0.00006; gnomAD exomes 0.00007 and 0.00020; TOPMed 0.00013.

Submissions (6):

PreventionGenetics, part of Exact Sciences
Classification: Uncertain significance for NPHP3-related condition. Last evaluated: 2026-02-10. Review status: criteria provided, single submitter. Criteria: ACMG Guidelines, 2015. Collection method: clinical testing. Allele origin: germline.
Comment: The NPHP3 c.3062C>T variant is predicted to result in the amino acid substitution p.Ala1021Val. To our knowledge, this variant has not been reported in the literature. This variant is reported in 0.016% of alleles in individuals of African descent in gnomAD. At this time, the clinical significance of this variant is uncertain due to the absence of conclusive functional and genetic evidence.

Blueprint Genetics
Classification: Uncertain significance. Last evaluated: 2024-08-12. Review status: criteria provided, single submitter. Criteria: ACMG Guidelines, 2015. Collection method: clinical testing. Allele origin: germline.

Labcorp Genetics (formerly Invitae), Labcorp
Classification: Uncertain significance for Nephronophthisis. Last evaluated: 2023-07-03. Review status: criteria provided, single submitter. Criteria: Invitae Variant Classification Sherloc (09022015). Collection method: clinical testing. Allele origin: germline.
Comment: In summary, the available evidence is currently insufficient to determine the role of this variant in disease. Therefore, it has been classified as a Variant of Uncertain Significance. Advanced modeling of protein sequence and biophysical properties (such as structural, functional, and spatial information, amino acid conservation, physicochemical variation, residue mobility, and thermodynamic stability) performed at Invitae indicates that this missense variant is not expected to disrupt NPHP3 protein function. ClinVar contains an entry for this variant (Variation ID: 286995). This variant has not been reported in the literature in individuals affected with NPHP3-related conditions. This variant is present in population databases (rs759153335, gnomAD 0.02%). This sequence change replaces alanine, which is neutral and non-polar, with valine, which is neutral and non-polar, at codon 1021 of the NPHP3 protein (p.Ala1021Val).

Fulgent Genetics
Classification: Uncertain significance for Renal-hepatic-pancreatic dysplasia 1; NPHP3-related Meckel-like syndrome; Nephronophthisis 3. Last evaluated: 2021-12-16. Review status: criteria provided, single submitter. Criteria: ACMG Guidelines, 2015. Collection method: clinical testing. Allele origin: unknown.

GeneDx
Classification: Uncertain significance. Last evaluated: 2019-08-21. Review status: criteria provided, single submitter. Criteria: GeneDx Variant Classification Process June 2021. Collection method: clinical testing. Allele origin: germline. Affected: yes.
Comment: In silico analysis, which includes protein predictors and evolutionary conservation, supports that this variant does not alter protein structure/function; Has not been previously published as pathogenic or benign to our knowledge

Eurofins Ntd Llc (ga)
Classification: Uncertain significance. Last evaluated: 2016-04-21. Review status: criteria provided, single submitter. Criteria: EGL Classification Definitions 2015. Collection method: clinical testing. Allele origin: germline. Observed: 1 variant allele, 1 heterozygote.

NM_153240.5(NPHP3):c.3062C>T (p.Ala1021Val)

Genes: NPHP3 (nephrocystin 3; minus strand), NPHP3-ACAD11 (NPHP3-ACAD11 readthrough (NMD candidate); minus strand). Cytogenetic location: 3q22.1.
Variant type: single nucleotide variant.
Coding change: c.3062C>T on transcript NM_153240.5 (MANE Select); coding-DNA position 3062, C replaced by T.
Protein change: p.Ala1021Val; replaces alanine 1021 with valine.
Molecular consequence: missense variant. On other transcripts: non-coding transcript variant (1).
Genome position (GRCh38, 1-based): chr3:132,688,713, G>A on the plus strand (C>T on the coding strand, the complement: NPHP3 is on the minus strand). VCF-style: chr3-132688713-G-A. GRCh37 (hg19) VCF-style: chr3-132407557-G-A.
Other names: short protein forms A1021V.
Identifiers: ClinVar variation 286995 (VCV000286995.14), dbSNP rs759153335, ClinGen allele CA2621853.